The following is an entry in ClinVar:

NM_000070.3(CAPN3):c.1895_1913dup (p.Pro639fs)

Gene: CAPN3 (calpain 3; plus strand). Cytogenetic location: 15q15.1.
Variant type: Duplication.
Coding change: c.1895_1913dup on transcript NM_000070.3 (MANE Select); coding-DNA positions 1895 to 1913, 19 bases duplicated (AGCAAAAGCAGTCCCCACA).
Protein change: p.Pro639fs; shifts the reading frame from proline 639.
Molecular consequence: frameshift variant. On other transcripts: intron variant (3).
Genome position (GRCh38, 1-based): chr15:42,408,305-42,408,323, AGCAAAAGCAGTCCCCACA duplicated; duplicating any 19 consecutive bases within chr15:42,408,304-42,408,323 gives the same sequence; the c. name uses the placement nearest the transcript's 3' end. VCF-style (leftmost placement, unchanged base first): chr15-42408303-T-TAAGCAAAAGCAGTCCCCAC. GRCh37 (hg19) VCF-style: chr15-42700501-T-TAAGCAAAAGCAGTCCCCAC.
Other names: c.1877_1895dup, p.Pro633fs (NM_024344.2); c.359_377dup, p.Pro127fs (NM_173088.2); c.1639-998_1639-980dup (NM_173087.2); c.-81-998_-81-980dup (NM_173090.2, NM_173089.2); short protein forms P127fs, P633fs, P639fs.
Identifiers: ClinVar variation 1352662 (VCV001352662.6), dbSNP rs2141216768, ClinGen allele CA2573150707.

ClinVar aggregate classification (germline): Pathogenic (1 of 4 stars; one submission).

Conditions:
Autosomal recessive limb-girdle muscular dystrophy type 2A (LGMDR1). Also called: Limb-girdle muscular dystrophy, type 2A; Muscular dystrophy, limb-girdle, type 2A, Amish; LEYDEN-MOEBIUS MUSCULAR DYSTROPHY; MUSCULAR DYSTROPHY, PELVOFEMORAL; Calpainopathy. Identifiers: Orphanet 267, MedGen C1869123, MONDO:0009675, OMIM 253600. Disease mechanism: loss of function.

Submission:

Labcorp Genetics (formerly Invitae), Labcorp
Classification: Pathogenic for Autosomal recessive limb-girdle muscular dystrophy type 2A. Last evaluated: 2021-06-28. Review status: criteria provided, single submitter. Criteria: Invitae Variant Classification Sherloc (09022015). Collection method: clinical testing. Allele origin: germline.
Comment: For these reasons, this variant has been classified as Pathogenic. This variant has not been reported in the literature in individuals with CAPN3-related conditions. This variant is not present in population databases (ExAC no frequency). This sequence change creates a premature translational stop signal (p.Pro639Alafs*13) in the CAPN3 gene. It is expected to result in an absent or disrupted protein product. Loss-of-function variants in CAPN3 are known to be pathogenic (PMID: 10330340, 15689361).

Literature cited by the submitters: PubMed 10330340; PubMed 15689361.